The following is an entry in ClinVar:

NM_001184.4(ATR):c.1015T>C (p.Ser339Pro)

Gene: ATR (ATR checkpoint kinase; minus strand). Cytogenetic location: 3q23.
Variant type: single nucleotide variant.
Coding change: c.1015T>C on transcript NM_001184.4 (MANE Select); coding-DNA position 1015, T replaced by C.
Protein change: p.Ser339Pro; replaces serine 339 with proline.
Molecular consequence: missense variant.
Genome position (GRCh38, 1-based): chr3:142,562,387, A>G on the plus strand (T>C on the coding strand, the complement: ATR is on the minus strand). VCF-style: chr3-142562387-A-G. GRCh37 (hg19) VCF-style: chr3-142281229-A-G.
Other names: c.1015T>C, p.Ser339Pro (NM_001354579.2); short protein forms S339P.
Identifiers: ClinVar variation 2453511 (VCV002453511.2), dbSNP rs2473425761, ClinGen allele CA354824007.

ClinVar aggregate classification (germline): Uncertain significance (1 of 4 stars; one submission).

Conditions:
Inborn genetic diseases. Identifiers: MedGen C0950123, MeSH D030342.

Submission:

Ambry Genetics
Classification: Uncertain significance for Inborn genetic diseases. Last evaluated: 2022-11-04. Review status: criteria provided, single submitter. Criteria: Ambry Variant Classification Scheme 2023. Collection method: clinical testing. Allele origin: germline.
Comment: The p.S339P variant (also known as c.1015T>C), located in coding exon 4 of the ATR gene, results from a T to C substitution at nucleotide position 1015. The serine at codon 339 is replaced by proline, an amino acid with similar properties. This amino acid position is conserved. In addition, the in silico prediction for this alteration is inconclusive. Since supporting evidence is limited at this time, the clinical significance of this alteration remains unclear.